The following is an entry in ClinVar:

NM_001166114.2(PNPLA6):c.1171G>C (p.Asp391His)

Gene: PNPLA6 (patatin like domain 6, lysophospholipase; plus strand). Cytogenetic location: 19p13.2.
Variant type: single nucleotide variant.
Coding change: c.1171G>C on transcript NM_001166114.2 (MANE Select); coding-DNA position 1171, G replaced by C.
Protein change: p.Asp391His; replaces aspartic acid 391 with histidine.
Molecular consequence: missense variant.
Genome position (GRCh38, 1-based): chr19:7,541,986, G>C. VCF-style: chr19-7541986-G-C. GRCh37 (hg19) VCF-style: chr19-7606872-G-C.
Other names: c.1198G>C, p.Asp400His (NM_001166111.2); c.1054G>C, p.Asp352His (NM_001166112.2, NM_001166113.1, NM_006702.5); short protein forms D352H, D391H, D400H.
Identifiers: ClinVar variation 4688675 (VCV004688675.1).
Genomic context (GRCh38, chr19:7,541,986, plus strand): 5'-CCTGCTAATCCTCCTAGTGGCTCTGAGGGGCAGGAGCCTGAACATGTGTCTCCCCCAGGG[G>C]ACCCTGTGAAGCCCACATCCCTGGAAACCCCCTCGGCCCCTCTGCTGAGCCGCTGCGTCT-3'
Protein context (NP_001159586.1, residues 381-401): TGAPLPGPTG[Asp391His]PVKPTSLETP

ClinVar aggregate classification (germline): Uncertain significance (1 of 4 stars; one submission).

gnomAD v4.1: 28 of 1,607,900 alleles (0.0017%); highest among the groups gnomAD compares: Non-Finnish European, 0.0023%; no homozygotes.

Submission:

Women's Health and Genetics/Laboratory Corporation of America, LabCorp
Classification: Uncertain significance. Last evaluated: 2025-12-01. Review status: criteria provided, single submitter. Criteria: LabCorp Variant Classification Summary - May 2015. Collection method: clinical testing. Allele origin: germline.
Comment: Variant summary: PNPLA6 c.1054G>C (p.Asp352His) results in a non-conservative amino acid change in the encoded protein sequence. Algorithms developed to predict the effect of missense changes on protein structure and function are either unavailable or do not agree on the potential impact of this missense change. Consensus agreement among computation tools predict no significant impact on normal splicing. However, these predictions have yet to be confirmed by functional studies. The variant allele was found at a frequency of 1.6e-05 in 246584 control chromosomes. The available data on variant occurrences in the general population are insufficient to allow any conclusion about variant significance. To our knowledge, no occurrence of c.1054G>C in individuals affected with PNPLA6-related conditions and no experimental evidence demonstrating its impact on protein function have been reported. No submitters have cited clinical-significance assessments for this variant to ClinVar. Based on the evidence outlined above, the variant was classified as uncertain significance.